The following is an entry in ClinVar:

NM_000038.6(APC):c.1869del (p.Ser624fs)

Gene: APC (APC regulator of Wnt signaling pathway; plus strand). Cytogenetic location: 5q22.2.
Variant type: Deletion.
Coding change: c.1869del on transcript NM_000038.6 (MANE Select); coding-DNA position 1869, one base deleted (G; older notation c.1869delG).
Protein change: p.Ser624fs; shifts the reading frame from serine 624.
Molecular consequence: frameshift variant. On other transcripts: non-coding transcript variant (2).
Genome position (GRCh38, 1-based): chr5:112,835,076, G deleted; the last of 2 consecutive G bases (chr5:112,835,075-112,835,076); deleting either gives the same sequence. VCF-style (leftmost placement, unchanged base first): chr5-112835074-CG-C. GRCh37 (hg19) VCF-style: chr5-112170771-CG-C.
Other names: c.1869del, p.Ser624fs (NM_001127510.3, NM_001354895.2, NM_001407450.1); c.1815del, p.Ser606fs (NM_001127511.3); c.1923del, p.Ser642fs (NM_001354896.2, NM_001407447.1, NM_001407448.1 and 1 more transcripts); c.1899del, p.Ser634fs (NM_001354897.2); c.1794del, p.Ser599fs (NM_001354898.2); c.1785del, p.Ser596fs (NM_001354899.2); c.1746del, p.Ser583fs (NM_001354900.2); c.1692del, p.Ser565fs (NM_001354901.2, NM_001407453.1); and 11 more; short protein forms S240fs, S341fs, S464fs, S495fs, S498fs, S523fs, S533fs, S541fs.
Identifiers: ClinVar variation 2573290 (VCV002573290.1), dbSNP rs2533339050, ClinGen allele CA2580613628.

ClinVar aggregate classification (germline): Pathogenic (1 of 4 stars; one submission).

Conditions:
Familial adenomatous polyposis 1 (FAP1). Also called: POLYPOSIS, ADENOMATOUS INTESTINAL; FAMILIAL ADENOMATOUS POLYPOSIS 1, ATTENUATED. Identifiers: MedGen C2713442, MONDO:0021056, OMIM 175100. Disease mechanism: loss of function.

Submission:

Myriad Genetics, Inc.
Classification: Pathogenic for Familial adenomatous polyposis 1. Last evaluated: 2023-02-08. Review status: criteria provided, single submitter. Criteria: Myriad Autosomal Dominant, Autosomal Recessive and X-Linked Classification Criteria (2023). Collection method: clinical testing. Allele origin: unknown.
Comment: This variant is considered pathogenic. This variant creates a frameshift predicted to result in premature protein truncation.